The following is an entry in ClinVar:

NM_001430.5(EPAS1):c.704T>G (p.Met235Arg)

Genes: EPAS1 (endothelial PAS domain protein 1; plus strand), LOC126806210 (BRD4-independent group 4 enhancer GRCh37_chr2:46587586-46588785; plus strand). Cytogenetic location: 2p21.
Variant type: single nucleotide variant.
Coding change: c.704T>G on transcript NM_001430.5 (MANE Select); coding-DNA position 704, T replaced by G.
Protein change: p.Met235Arg; replaces methionine 235 with arginine.
Molecular consequence: missense variant.
Genome position (GRCh38, 1-based): chr2:46,361,015, T>G. VCF-style: chr2-46361015-T-G. GRCh37 (hg19) VCF-style: chr2-46588154-T-G.
Other names: short protein forms M235R.
Identifiers: ClinVar variation 1756883 (VCV001756883.2), dbSNP rs924437921, ClinGen allele CA346700203.

ClinVar aggregate classification (germline): Uncertain significance (1 of 4 stars; one submission).

Conditions:
Inborn genetic diseases. Identifiers: MedGen C0950123, MeSH D030342.

gnomAD v4.1: 3 of 1,614,002 alleles (0.00019%); highest among the groups gnomAD compares: South Asian, 0.0011%; no homozygotes.

Submission:

Ambry Genetics
Classification: Uncertain significance for Inborn genetic diseases. Last evaluated: 2022-06-24. Review status: criteria provided, single submitter. Criteria: Ambry Variant Classification Scheme 2023. Collection method: clinical testing. Allele origin: germline.
Comment: The p.M235R variant (also known as c.704T>G), located in coding exon 6 of the EPAS1 gene, results from a T to G substitution at nucleotide position 704. The methionine at codon 235 is replaced by arginine, an amino acid with similar properties. This amino acid position is conserved. In addition, this alteration is predicted to be tolerated by in silico analysis. Since supporting evidence is limited at this time, the clinical significance of this alteration remains unclear.